The following is an entry in ClinVar:

ClinVar aggregate classification (germline): Uncertain significance (1 of 4 stars; one submission).

Submission:

Labcorp Genetics (formerly Invitae), Labcorp
Classification: Uncertain significance. Last evaluated: 2021-11-21. Review status: criteria provided, single submitter. Criteria: Invitae Variant Classification Sherloc (09022015). Collection method: clinical testing. Allele origin: germline.
Comment: This sequence change replaces glutamic acid, which is acidic and polar, with lysine, which is basic and polar, at codon 2228 of the CDH23 protein (p.Glu2228Lys). This variant is not present in population databases (gnomAD no frequency). This variant has not been reported in the literature in individuals affected with CDH23-related conditions. Algorithms developed to predict the effect of missense changes on protein structure and function are either unavailable or do not agree on the potential impact of this missense change (SIFT: "Deleterious"; PolyPhen-2: "Not Available"; Align-GVGD: "Class C15"). In summary, the available evidence is currently insufficient to determine the role of this variant in disease. Therefore, it has been classified as a Variant of Uncertain Significance.

NM_022124.6(CDH23):c.6682G>A (p.Glu2228Lys)

Gene: CDH23 (cadherin related 23; plus strand). Cytogenetic location: 10q22.1.
Variant type: single nucleotide variant.
Coding change: c.6682G>A on transcript NM_022124.6 (MANE Select); coding-DNA position 6682, G replaced by A.
Protein change: p.Glu2228Lys; replaces glutamic acid 2228 with lysine.
Molecular consequence: missense variant.
Genome position (GRCh38, 1-based): chr10:71,793,610, G>A. VCF-style: chr10-71793610-G-A. GRCh37 (hg19) VCF-style: chr10-73553367-G-A.
Other names: short protein forms E2228K.
Identifiers: ClinVar variation 1394355 (VCV001394355.6), dbSNP rs2132954803, ClinGen allele CA377155565.